The following is an entry in ClinVar:

NM_001277115.2(DNAH11):c.13083C>T (p.Leu4361=)

Gene: DNAH11 (dynein axonemal heavy chain 11; plus strand). Cytogenetic location: 7p15.3.
Variant type: single nucleotide variant.
Coding change: c.13083C>T on transcript NM_001277115.2 (MANE Select); coding-DNA position 13083, C replaced by T.
Protein change: p.Leu4361=; no amino-acid change (leucine 4361 retained).
Molecular consequence: synonymous variant.
Genome position (GRCh38, 1-based): chr7:21,899,369, C>T. VCF-style: chr7-21899369-C-T. GRCh37 (hg19) VCF-style: chr7-21938987-C-T.
Other names: p.Leu4361=; c.13104C>T, p.Leu4368= (NM_003777.3).
Identifiers: ClinVar variation 1769644 (VCV001769644.8), dbSNP rs755777338, ClinGen allele CA4183289.
Genomic context (GRCh38, chr7:21,899,369, plus strand): 5'-TTTTTCTTCCTCCCTCCCATAAACCAGGTTCAATGACCTCCTCCTGCGATGCCGAGAACT[C>T]GATACTTGGACACAAGACCTTACCCTTCCGGCTGTCGTGTGGCTCTCCGGCTTCTTCAAC-3'
Protein context (NP_001264044.1, residues 4351-4371): FNDLLLRCRE[Leu4361=]DTWTQDLTLP

ClinVar aggregate classification (germline): Benign/Likely benign. Review status: criteria provided, multiple submitters, no conflicts (2 of 4 stars). 3 submissions from 3 submitters: Benign (1); Likely benign (2). Last evaluated 2025-02-19.

Conditions:
Primary ciliary dyskinesia. Also called: Ciliary dyskinesia. Identifiers: Orphanet 244, MedGen C0008780, MONDO:0016575, HP:0012265.

Allele frequency attached by ClinVar (database versions not stated): gnomAD 0.00001; ExAC 0.00002.
gnomAD v4.1: 31 of 1,613,860 alleles (0.0019%); highest among the groups gnomAD compares: East Asian, 0.0022%; no homozygotes.

Submissions (3):

Mayo Clinic Laboratories, Mayo Clinic
Classification: Likely benign. Last evaluated: 2025-02-19. Review status: criteria provided, single submitter. Criteria: ACMG Guidelines, 2015. Collection method: clinical testing. Allele origin: germline. Observed: 1 variant allele.
Comment: BP4, BP7

Labcorp Genetics (formerly Invitae), Labcorp
Classification: Benign for Primary ciliary dyskinesia. Last evaluated: 2024-06-28. Review status: criteria provided, single submitter. Criteria: Invitae Variant Classification Sherloc (09022015). Collection method: clinical testing. Allele origin: germline.

Ambry Genetics
Classification: Likely benign for Primary ciliary dyskinesia. Last evaluated: 2015-03-02. Review status: criteria provided, single submitter. Criteria: Ambry Variant Classification Scheme 2023. Collection method: clinical testing. Allele origin: germline.